The following is an entry in ClinVar:

ClinVar aggregate classification (germline): Likely benign (1 of 4 stars; one submission).

Allele frequency attached by ClinVar (database versions not stated): ExAC 0.00001.

Submission:

CeGaT Center for Human Genetics Tuebingen
Classification: Likely benign. Last evaluated: 2023-04-01. Review status: criteria provided, single submitter. Criteria: CeGaT Center For Human Genetics Tuebingen Variant Classification Criteria Version 2. Collection method: clinical testing. Allele origin: germline. Affected: yes. Observed: 1 variant allele.
Comment: PCDHB16: BP4, BP7

NM_020957.4(PCDHB16):c.1647G>A (p.Val549=)

Genes: PCDHB16 (protocadherin beta 16; plus strand), PCDHB@ (protocadherin beta cluster; plus strand). Cytogenetic location: 5q31.3.
Variant type: single nucleotide variant.
Coding change: c.1647G>A on transcript NM_020957.4 (MANE Select); coding-DNA position 1647, G replaced by A.
Protein change: p.Val549=; no amino-acid change (valine 549 retained).
Molecular consequence: synonymous variant.
Genome position (GRCh38, 1-based): chr5:141,184,206, G>A. VCF-style: chr5-141184206-G-A. GRCh37 (hg19) VCF-style: chr5-140563781-G-A.
Identifiers: ClinVar variation 2655823 (VCV002655823.24), dbSNP rs781955710, ClinGen allele CA3460491.
Genomic context (GRCh38, chr5:141,184,206, plus strand): 5'-CCGCGTGGGCGCCACAGACCGCGGCTCCCCCGCGCTGAGCAGAGAGGCGCTGGTGCGCGT[G>A]CTGGTGCTGGACGCCAACGACAACTCGCCCTTCGTGCTGTACCCGCTGCAGAACGGCTCC-3'
Protein context (NP_066008.2, residues 539-559): PALSREALVR[Val549=]LVLDANDNSP